The following is an entry in ClinVar:

ClinVar aggregate classification (germline): Uncertain significance. Review status: criteria provided, multiple submitters, no conflicts (2 of 4 stars). 4 submissions from 4 submitters: Uncertain significance (4). Last evaluated 2025-11-01.

Conditions:
Progressive sclerosing poliodystrophy (MTDPS4A). Also called: Mitochondrial DNA Depletion Syndrome 4A; Alpers-Huttenlocher Syndrome (AHS); NEURONAL DEGENERATION OF CHILDHOOD WITH LIVER DISEASE, PROGRESSIVE; Alpers Syndrome; ALPERS DIFFUSE DEGENERATION OF CEREBRAL GRAY MATTER WITH HEPATIC CIRRHOSIS; Alpers-Huttenlocher Syndrome. Identifiers: Orphanet 726, MedGen C0205710, MONDO:0008758, OMIM 203700.

Allele frequency attached by ClinVar (database versions not stated): gnomAD exomes 0.00001 and 0.00003; TOPMed 0.00001; ExAC 0.00002; gnomAD 0.00002.
gnomAD v4.1: 42 of 1,575,312 alleles (0.0027%); highest among the groups gnomAD compares: African/African-American, 0.0054%; no homozygotes.

Submissions (4):

Labcorp Genetics (formerly Invitae), Labcorp
Classification: Uncertain significance for Progressive sclerosing poliodystrophy. Last evaluated: 2025-11-01. Review status: criteria provided, single submitter. Criteria: Invitae Variant Classification Sherloc (09022015). Collection method: clinical testing. Allele origin: germline.
Comment: This sequence change replaces glutamic acid, which is acidic and polar, with glutamine, which is neutral and polar, at codon 183 of the POLG protein (p.Glu183Gln). This variant is present in population databases (rs762582785, gnomAD 0.02%). This variant has not been reported in the literature in individuals affected with POLG-related conditions. ClinVar contains an entry for this variant (Variation ID: 501092). Invitae Evidence Modeling of protein sequence and biophysical properties (such as structural, functional, and spatial information, amino acid conservation, physicochemical variation, residue mobility, and thermodynamic stability) indicates that this missense variant is not expected to disrupt POLG protein function with a negative predictive value of 95%. In summary, the available evidence is currently insufficient to determine the role of this variant in disease. Therefore, it has been classified as a Variant of Uncertain Significance.

Athena Diagnostics
Classification: Uncertain significance. Last evaluated: 2025-03-18. Review status: criteria provided, single submitter. Criteria: Athena Diagnostics Criteria. Collection method: clinical testing. Allele origin: unknown.
Comment: Available data are insufficient to determine the clinical significance of the variant at this time. The frequency of this variant in the general population is uninformative in assessment of its pathogenicity. Polyphen and MutationTaster predict this amino acid change may be benign.

CeGaT Center for Human Genetics Tuebingen
Classification: Uncertain significance. Last evaluated: 2023-03-01. Review status: criteria provided, single submitter. Criteria: CeGaT Center For Human Genetics Tuebingen Variant Classification Criteria Version 2. Collection method: clinical testing. Allele origin: germline. Affected: yes. Observed: 1 variant allele.

Eurofins Ntd Llc (ga)
Classification: Uncertain significance. Last evaluated: 2017-03-23. Review status: criteria provided, single submitter. Criteria: EGL Classification Definitions 2015. Collection method: clinical testing. Allele origin: germline. Observed: 1 variant allele, 1 heterozygote.

NM_002693.3(POLG):c.547G>C (p.Glu183Gln)

Genes: POLG (DNA polymerase gamma, catalytic subunit; minus strand), POLGARF (POLG alternative reading frame; minus strand). Cytogenetic location: 15q26.1.
Variant type: single nucleotide variant.
Coding change: c.547G>C on transcript NM_002693.3 (MANE Select); coding-DNA position 547, G replaced by C.
Protein change: p.Glu183Gln; replaces glutamic acid 183 with glutamine.
Molecular consequence: missense variant.
Genome position (GRCh38, 1-based): chr15:89,333,208, C>G on the plus strand (G>C on the coding strand, the complement: POLG is on the minus strand). VCF-style: chr15-89333208-C-G. GRCh37 (hg19) VCF-style: chr15-89876439-C-G.
Other names: c.547G>C, p.Glu183Gln (NM_001126131.2); c.547G>C (NM_002693.2); short protein forms E183Q.
Identifiers: ClinVar variation 501092 (VCV000501092.41), dbSNP rs762582785, ClinGen allele CA7725096.